The following is an entry in ClinVar:

ClinVar aggregate classification (germline): Uncertain significance (1 of 4 stars; one submission).

Conditions:
Familial encephalopathy with neuroserpin inclusion bodies. Also called: ENCEPHALOPATHY, FAMILIAL, WITH COLLINS BODIES. Identifiers: Orphanet 85110, MedGen C1858680, MONDO:0011412, OMIM 604218.

Submission:

Labcorp Genetics (formerly Invitae), Labcorp
Classification: Uncertain significance for Familial encephalopathy with neuroserpin inclusion bodies. Last evaluated: 2022-08-09. Review status: criteria provided, single submitter. Criteria: Invitae Variant Classification Sherloc (09022015). Collection method: clinical testing. Allele origin: germline.
Comment: This variant has not been reported in the literature in individuals affected with SERPINI1-related conditions. This variant is not present in population databases (gnomAD no frequency). This sequence change replaces isoleucine, which is neutral and non-polar, with threonine, which is neutral and polar, at codon 53 of the SERPINI1 protein (p.Ile53Thr). In summary, the available evidence is currently insufficient to determine the role of this variant in disease. Therefore, it has been classified as a Variant of Uncertain Significance. Advanced modeling of protein sequence and biophysical properties (such as structural, functional, and spatial information, amino acid conservation, physicochemical variation, residue mobility, and thermodynamic stability) performed at Invitae indicates that this missense variant is not expected to disrupt SERPINI1 protein function.

NM_001122752.2(SERPINI1):c.158T>C (p.Ile53Thr)

Gene: SERPINI1 (serpin family I member 1; plus strand). Cytogenetic location: 3q26.1.
Variant type: single nucleotide variant.
Coding change: c.158T>C on transcript NM_001122752.2 (MANE Select); coding-DNA position 158, T replaced by C.
Protein change: p.Ile53Thr; replaces isoleucine 53 with threonine.
Molecular consequence: missense variant.
Genome position (GRCh38, 1-based): chr3:167,789,286, T>C. VCF-style: chr3-167789286-T-C. GRCh37 (hg19) VCF-style: chr3-167507074-T-C.
Other names: c.158T>C, p.Ile53Thr (NM_005025.5); short protein forms I53T.
Identifiers: ClinVar variation 1715778 (VCV001715778.5), dbSNP rs2476221003, ClinGen allele CA355155663.